The following is an entry in ClinVar:

NM_006445.4(PRPF8):c.174G>C (p.Lys58Asn)

Gene: PRPF8 (pre-mRNA processing factor 8; minus strand). Cytogenetic location: 17p13.3.
Variant type: single nucleotide variant.
Coding change: c.174G>C on transcript NM_006445.4 (MANE Select); coding-DNA position 174, G replaced by C.
Protein change: p.Lys58Asn; replaces lysine 58 with asparagine.
Molecular consequence: missense variant.
Genome position (GRCh38, 1-based): chr17:1,683,628, C>G on the plus strand (G>C on the coding strand, the complement: PRPF8 is on the minus strand). VCF-style: chr17-1683628-C-G. GRCh37 (hg19) VCF-style: chr17-1586922-C-G.
Other names: short protein forms K58N.
Identifiers: ClinVar variation 4976333 (VCV004976333.1).
Genomic context (GRCh38, chr17:1,683,628, plus strand): 5'-GTTGGTCATGTCTCCATGGTCTCGAATGATCTTCCTGACATGTTCTGGGGGCATGTCTTC[C>G]TTCTGGGCATCCACAAACCCAAACTTCCGCTTTTCTGCATAGCGCTTGGCCTGCAATTGC-3'
Protein context (NP_006436.3, residues 48-68): KRKFGFVDAQ[Lys58Asn]EDMPPEHVRK

ClinVar aggregate classification (germline): Uncertain significance (1 of 4 stars; one submission).

Submission:

GeneDx
Classification: Uncertain significance. Last evaluated: 2026-02-12. Review status: criteria provided, single submitter. Criteria: GeneDx Variant Classification Process June 2021. Collection method: clinical testing. Allele origin: germline.
Comment: Not observed at significant frequency in large population cohorts (gnomAD); In silico analysis supports that this missense variant has a deleterious effect on protein structure/function; Has not been previously published as pathogenic or benign to our knowledge